The following is an entry in ClinVar:

ClinVar aggregate classification (germline): Uncertain significance. Review status: criteria provided, multiple submitters, no conflicts (2 of 4 stars). 2 submissions from 2 submitters: Uncertain significance (2). Last evaluated 2025-12-11.

Allele frequency attached by ClinVar (database versions not stated): gnomAD exomes 0.00005; ExAC 0.00009; TOPMed 0.00001; gnomAD 0.00002.
gnomAD v4.1: 72 of 1,614,104 alleles (0.0045%); highest among the groups gnomAD compares: South Asian, 0.035%; no homozygotes.

Submissions (2):

Ambry Genetics
Classification: Uncertain significance. Last evaluated: 2025-12-11. Review status: criteria provided, single submitter. Criteria: Ambry Variant Classification Scheme 2023. Collection method: clinical testing. Allele origin: germline.

Labcorp Genetics (formerly Invitae), Labcorp
Classification: Uncertain significance. Last evaluated: 2024-11-30. Review status: criteria provided, single submitter. Criteria: Invitae Variant Classification Sherloc (09022015). Collection method: clinical testing. Allele origin: germline.
Comment: This sequence change replaces serine, which is neutral and polar, with leucine, which is neutral and non-polar, at codon 1925 of the IGSF10 protein (p.Ser1925Leu). This variant is present in population databases (rs770046902, gnomAD 0.04%). This variant has not been reported in the literature in individuals affected with IGSF10-related conditions. ClinVar contains an entry for this variant (Variation ID: 2217820). An algorithm developed to predict the effect of missense changes on protein structure and function (PolyPhen-2) suggests that this variant is likely to be disruptive. In summary, the available evidence is currently insufficient to determine the role of this variant in disease. Therefore, it has been classified as a Variant of Uncertain Significance.

NM_178822.5(IGSF10):c.5774C>T (p.Ser1925Leu)

Gene: IGSF10 (immunoglobulin superfamily member 10; minus strand). Cytogenetic location: 3q25.1.
Variant type: single nucleotide variant.
Coding change: c.5774C>T on transcript NM_178822.5 (MANE Select); coding-DNA position 5774, C replaced by T.
Protein change: p.Ser1925Leu; replaces serine 1925 with leucine.
Molecular consequence: missense variant.
Genome position (GRCh38, 1-based): chr3:151,443,173, G>A on the plus strand (C>T on the coding strand, the complement: IGSF10 is on the minus strand). VCF-style: chr3-151443173-G-A. GRCh37 (hg19) VCF-style: chr3-151160961-G-A.
Other names: c.5774C>T, p.Ser1925Leu (NM_001385060.1, NM_001385061.1, NM_001385062.1 and 1 more transcripts); short protein forms S1925L.
Identifiers: ClinVar variation 2217820 (VCV002217820.5), dbSNP rs770046902, ClinGen allele CA2669676.